The following is an entry in ClinVar:

ClinVar aggregate classification (germline): Pathogenic. Review status: criteria provided, multiple submitters, no conflicts (2 of 4 stars). 2 submissions from 2 submitters: Pathogenic (2). Last evaluated 2024-10-01.

Conditions:
Duchenne muscular dystrophy (DMD). Also called: MUSCULAR DYSTROPHY, PSEUDOHYPERTROPHIC PROGRESSIVE, DUCHENNE TYPE; Duchenne Muscular Dystrophy (DMD). Identifiers: Orphanet 98896, MedGen C0013264, MONDO:0010679, OMIM 310200.

Submissions (2):

GeneDx
Classification: Pathogenic. Last evaluated: 2024-10-01. Review status: criteria provided, single submitter. Criteria: GeneDx Variant Classification Process June 2021. Collection method: clinical testing. Allele origin: germline. Affected: yes.
Comment: Not observed at significant frequency in large population cohorts (gnomAD); Nonsense variant predicted to result in protein truncation or nonsense mediated decay in a gene for which loss of function is a known mechanism of disease; Based on the understanding of this genetic alteration, it may be amenable to nonsense read-through therapy that is currently available or in clinical trial; This variant is associated with the following publications: (PMID: 25525159, 19937601, 39182149)

Labcorp Genetics (formerly Invitae), Labcorp
Classification: Pathogenic for Duchenne muscular dystrophy. Last evaluated: 2024-01-22. Review status: criteria provided, single submitter. Criteria: Invitae Variant Classification Sherloc (09022015). Collection method: clinical testing. Allele origin: germline.
Comment: This sequence change creates a premature translational stop signal (p.Glu1182*) in the DMD gene. It is expected to result in an absent or disrupted protein product. Loss-of-function variants in DMD are known to be pathogenic (PMID: 16770791, 25007885). This variant is not present in population databases (gnomAD no frequency). This premature translational stop signal has been observed in individual(s) with Duchenne muscular dystrophy (PMID: 19937601). For these reasons, this variant has been classified as Pathogenic.

Literature cited by the submitters: PubMed 16770791 (cited by Labcorp Genetics (formerly Invitae), Labcorp); PubMed 25007885 (cited by Labcorp Genetics (formerly Invitae), Labcorp); PubMed 19937601 (cited by Labcorp Genetics (formerly Invitae), Labcorp).

NM_004006.3(DMD):c.3544G>T (p.Glu1182Ter)

Gene: DMD (dystrophin; minus strand). Cytogenetic location: Xp21.1.
Variant type: single nucleotide variant.
Coding change: c.3544G>T on transcript NM_004006.3 (MANE Select); coding-DNA position 3544, G replaced by T.
Protein change: p.Glu1182Ter; replaces glutamic acid 1182 with a stop codon.
Molecular consequence: nonsense.
Genome position (GRCh38, 1-based): chrX:32,454,721, C>A on the plus strand (G>T on the coding strand, the complement: DMD is on the minus strand). VCF-style: chrX-32454721-C-A. GRCh37 (hg19) VCF-style: chrX-32472838-C-A.
Other names: c.3520G>T, p.Glu1174Ter (NM_000109.4); c.3532G>T, p.Glu1178Ter (NM_004009.3); c.3175G>T, p.Glu1059Ter (NM_004010.3); short protein forms E1059*, E1174*, E1178*, E1182*.
Identifiers: ClinVar variation 2737162 (VCV002737162.4), dbSNP rs2148348645, ClinGen allele CA412663060.